The following is an entry in ClinVar:

ClinVar aggregate classification (germline): Conflicting classifications of pathogenicity. Review status: criteria provided, conflicting classifications (1 of 4 stars). 3 submissions from 3 submitters: Uncertain significance (1); Likely benign (1). 1 of the submissions does not count toward it. Last evaluated 2023-12-22.

Conditions:
Inborn genetic diseases. Identifiers: MedGen C0950123, MeSH D030342.
OTOGL-related disorder. Also called: OTOGL-related condition.

Allele frequency attached by ClinVar (database versions not stated): gnomAD exomes 0.00005 and 0.00016; ExAC 0.00026; ESP Exome Variant Server 0.00033; gnomAD 0.00059 and 0.00063; TOPMed 0.00068; 1000 Genomes Project 0.00080; 1000 Genomes Project 30x 0.00109.
gnomAD v4.1: 165 of 1,551,462 alleles (0.011%); highest among the groups gnomAD compares: African/African-American, 0.21%; no homozygotes.

Submissions (3):

Ambry Genetics
Classification: Likely benign for Inborn genetic diseases. Last evaluated: 2023-12-22. Review status: criteria provided, single submitter. Criteria: Ambry Variant Classification Scheme 2023. Collection method: clinical testing. Allele origin: germline.

GeneDx
Classification: Uncertain significance. Last evaluated: 2021-07-09. Review status: criteria provided, single submitter. Criteria: GeneDx Variant Classification Process June 2021. Collection method: clinical testing. Allele origin: germline. Affected: yes.
Comment: In silico analysis supports that this missense variant does not alter protein structure/function; Has not been previously published as pathogenic or benign to our knowledge; This variant is associated with the following publications: (PMID: 27535533)

PreventionGenetics, part of Exact Sciences
Classification: Likely benign for OTOGL-related condition. Last evaluated: 2024-04-03. Review status: no assertion criteria provided. Collection method: clinical testing. Allele origin: germline. Not counted in ClinVar's aggregate classification.
Comment: This variant is classified as likely benign based on ACMG/AMP sequence variant interpretation guidelines (Richards et al. 2015 PMID: 25741868, with internal and published modifications).

NM_001378609.3(OTOGL):c.4322C>T (p.Ala1441Val)

Gene: OTOGL (otogelin like; plus strand). Cytogenetic location: 12q21.31.
Variant type: single nucleotide variant.
Coding change: c.4322C>T on transcript NM_001378609.3 (MANE Select); coding-DNA position 4322, C replaced by T.
Protein change: p.Ala1441Val; replaces alanine 1441 with valine.
Molecular consequence: missense variant.
Genome position (GRCh38, 1-based): chr12:80,329,093, C>T. VCF-style: chr12-80329093-C-T. GRCh37 (hg19) VCF-style: chr12-80722873-C-T.
Other names: c.4187C>T, p.Ala1396Val (NM_001368062.3); c.4322C>T, p.Ala1441Val (NM_001378610.3, NM_173591.7); short protein forms A1396V, A1441V.
Identifiers: ClinVar variation 1254262 (VCV001254262.4), dbSNP rs143101932, ClinGen allele CA6701346.